The following is an entry in ClinVar:

ClinVar aggregate classification (germline): Uncertain significance (1 of 4 stars; one submission).

Conditions:
Congenital disorder of glycosylation type Ir (CDG1R). Also called: DDOST-congenital disorder of glycosylation. Identifiers: Orphanet 300536, MedGen C3281084, MONDO:0013789, OMIM 614507.

Allele frequency attached by ClinVar (database versions not stated): TOPMed below 0.00001; gnomAD exomes 0.00001.
gnomAD v4.1: 11 of 1,613,516 alleles (0.00068%); highest among the groups gnomAD compares: South Asian, 0.012%; no homozygotes.

Submission:

Labcorp Genetics (formerly Invitae), Labcorp
Classification: Uncertain significance for Congenital disorder of glycosylation type Ir. Last evaluated: 2023-01-26. Review status: criteria provided, single submitter. Criteria: Invitae Variant Classification Sherloc (09022015). Collection method: clinical testing. Allele origin: germline.
Comment: In summary, the available evidence is currently insufficient to determine the role of this variant in disease. Therefore, it has been classified as a Variant of Uncertain Significance. Algorithms developed to predict the effect of missense changes on protein structure and function are either unavailable or do not agree on the potential impact of this missense change (SIFT: "Deleterious"; PolyPhen-2: "Benign"; Align-GVGD: "Class C0"). This variant has not been reported in the literature in individuals affected with DDOST-related conditions. This variant is present in population databases (no rsID available, gnomAD 0.003%). This sequence change replaces threonine, which is neutral and polar, with isoleucine, which is neutral and non-polar, at codon 75 of the DDOST protein (p.Thr75Ile).

NM_005216.5(DDOST):c.173C>T (p.Thr58Ile)

Gene: DDOST (dolichyl-diphosphooligosaccharide--protein glycosyltransferase non-catalytic subunit; minus strand). Cytogenetic location: 1p36.12.
Variant type: single nucleotide variant.
Coding change: c.173C>T on transcript NM_005216.5 (MANE Select); coding-DNA position 173, C replaced by T.
Protein change: p.Thr58Ile; replaces threonine 58 with isoleucine.
Molecular consequence: missense variant.
Genome position (GRCh38, 1-based): chr1:20,660,973, G>A on the plus strand (C>T on the coding strand, the complement: DDOST is on the minus strand). VCF-style: chr1-20660973-G-A. GRCh37 (hg19) VCF-style: chr1-20987466-G-A.
Other names: short protein forms T58I.
Identifiers: ClinVar variation 2970362 (VCV002970362.3), dbSNP rs1372694906, ClinGen allele CA338855885.